The following is an entry in ClinVar:

NM_001356.5(DDX3X):c.348T>A (p.Phe116Leu)

Gene: DDX3X (DEAD-box helicase 3 X-linked; plus strand). Cytogenetic location: Xp11.4.
Variant type: single nucleotide variant.
Coding change: c.348T>A on transcript NM_001356.5 (MANE Select); coding-DNA position 348, T replaced by A.
Protein change: p.Phe116Leu; replaces phenylalanine 116 with leucine.
Molecular consequence: missense variant. On other transcripts: 5 prime UTR variant (1), non-coding transcript variant (1).
Genome position (GRCh38, 1-based): chrX:41,342,558, T>A. VCF-style: chrX-41342558-T-A. GRCh37 (hg19) VCF-style: chrX-41201811-T-A.
Other names: c.348T>A, p.Phe116Leu (NM_001193416.3); c.300T>A, p.Phe100Leu (NM_001193417.3); c.-211T>A (NM_001363819.1); short protein forms F100L, F116L.
Identifiers: ClinVar variation 1300856 (VCV001300856.2), dbSNP rs2063866358, ClinGen allele CA412765959.

ClinVar aggregate classification (germline): Uncertain significance (1 of 4 stars; one submission).

Allele frequency attached by ClinVar (database versions not stated): gnomAD 0.00001; gnomAD exomes 0.00001.
gnomAD v4.1: 5 of 1,210,278 alleles (0.00041%); highest among the groups gnomAD compares: Non-Finnish European, 0.00056%; no homozygotes.

Submission:

GeneDx
Classification: Uncertain significance. Last evaluated: 2021-10-07. Review status: criteria provided, single submitter. Criteria: GeneDx Variant Classification Process June 2021. Collection method: clinical testing. Allele origin: germline. Affected: yes.
Comment: Not observed in large population cohorts (Lek et al., 2016); In silico analysis supports that this missense variant does not alter protein structure/function; Has not been previously published as pathogenic or benign to our knowledge